The following is an entry in ClinVar:

ClinVar aggregate classification (germline): Uncertain significance (1 of 4 stars; one submission).

Conditions:
Dystonia 5 (DRD). Also called: GTP Cyclohydrolase 1-Deficient Dopa-Responsive Dystonia; Dystonia, DOPA-responsive, with or without hyperphenylalaninemia; DYT-GCH1; DYSTONIA, PROGRESSIVE, WITH DIURNAL VARIATION; DYSTONIA-PARKINSONISM WITH DIURNAL FLUCTUATION. Identifiers: Orphanet 98808, MedGen C1851920, MONDO:0007495, OMIM 128230.
GTP cyclohydrolase I deficiency. Identifiers: MedGen C0268467, MONDO:0100184.

Allele frequency attached by ClinVar (database versions not stated): TOPMed below 0.00001; gnomAD 0.00001; gnomAD exomes 0.00001.
gnomAD v4.1: 8 of 1,487,760 alleles (0.00054%); highest among the groups gnomAD compares: Non-Finnish European, 0.00071%; no homozygotes.

Submission:

Labcorp Genetics (formerly Invitae), Labcorp
Classification: Uncertain significance for GTP cyclohydrolase I deficiency; Dystonia 5. Last evaluated: 2024-04-29. Review status: criteria provided, single submitter. Criteria: Invitae Variant Classification Sherloc (09022015). Collection method: clinical testing. Allele origin: germline.
Comment: This sequence change replaces glycine, which is neutral and non-polar, with serine, which is neutral and polar, at codon 15 of the GCH1 protein (p.Gly15Ser). This variant is not present in population databases (gnomAD no frequency). This variant has not been reported in the literature in individuals affected with GCH1-related conditions. ClinVar contains an entry for this variant (Variation ID: 2140614). Advanced modeling of protein sequence and biophysical properties (such as structural, functional, and spatial information, amino acid conservation, physicochemical variation, residue mobility, and thermodynamic stability) performed at Invitae indicates that this missense variant is not expected to disrupt GCH1 protein function with a negative predictive value of 95%. In summary, the available evidence is currently insufficient to determine the role of this variant in disease. Therefore, it has been classified as a Variant of Uncertain Significance.

NM_000161.3(GCH1):c.43G>A (p.Gly15Ser)

Genes: GCH1 (GTP cyclohydrolase 1; minus strand), LOC130055692 (ATAC-STARR-seq lymphoblastoid silent region 5776; plus strand). Cytogenetic location: 14q22.2.
Variant type: single nucleotide variant.
Coding change: c.43G>A on transcript NM_000161.3 (MANE Select); coding-DNA position 43, G replaced by A.
Protein change: p.Gly15Ser; replaces glycine 15 with serine.
Molecular consequence: missense variant.
Genome position (GRCh38, 1-based): chr14:54,902,621, C>T on the plus strand (G>A on the coding strand, the complement: GCH1 is on the minus strand). VCF-style: chr14-54902621-C-T. GRCh37 (hg19) VCF-style: chr14-55369339-C-T.
Other names: c.43G>A, p.Gly15Ser (NM_001024024.2, NM_001024070.2, NM_001024071.2); short protein forms G15S.
Identifiers: ClinVar variation 2140614 (VCV002140614.4), dbSNP rs1214036983, ClinGen allele CA389794762.